The following is an entry in ClinVar:

NM_001134363.3(RBM20):c.2201G>C (p.Arg734Pro)

Gene: RBM20 (RNA binding motif protein 20; plus strand). Cytogenetic location: 10q25.2.
Variant type: single nucleotide variant.
Coding change: c.2201G>C on transcript NM_001134363.3 (MANE Select); coding-DNA position 2201, G replaced by C.
Protein change: p.Arg734Pro; replaces arginine 734 with proline.
Molecular consequence: missense variant.
Genome position (GRCh38, 1-based): chr10:110,812,598, G>C. VCF-style: chr10-110812598-G-C. GRCh37 (hg19) VCF-style: chr10-112572356-G-C.
Other names: short protein forms R734P.
Identifiers: ClinVar variation 1027136 (VCV001027136.6), dbSNP rs372923744, ClinGen allele CA378372627.

ClinVar aggregate classification (germline): Uncertain significance (1 of 4 stars; one submission).

Conditions:
Dilated cardiomyopathy 1DD (CMD1DD). Identifiers: Orphanet 154, MedGen C2750995, MONDO:0013168, OMIM 613172.

gnomAD v4.1: 1 of 1,551,690 alleles (0.000064%); no homozygotes.

Submission:

Labcorp Genetics (formerly Invitae), Labcorp
Classification: Uncertain significance for Dilated cardiomyopathy 1DD. Last evaluated: 2021-08-24. Review status: criteria provided, single submitter. Criteria: Invitae Variant Classification Sherloc (09022015). Collection method: clinical testing. Allele origin: germline.
Comment: This sequence change replaces arginine with proline at codon 734 of the RBM20 protein (p.Arg734Pro). The arginine residue is highly conserved and there is a moderate physicochemical difference between arginine and proline. This variant is not present in population databases (ExAC no frequency). This variant has not been reported in the literature in individuals affected with RBM20-related conditions. Advanced modeling of protein sequence and biophysical properties (such as structural, functional, and spatial information, amino acid conservation, physicochemical variation, residue mobility, and thermodynamic stability) performed at Invitae indicates that this missense variant is expected to disrupt RBM20 protein function. In summary, the available evidence is currently insufficient to determine the role of this variant in disease. Therefore, it has been classified as a Variant of Uncertain Significance.